The following is an entry in ClinVar:

ClinVar aggregate classification (germline): Uncertain significance (1 of 4 stars; one submission).

Conditions:
SLC4A1-related disorder. Also called: SLC4A1-related disorders; SLC4A1-related condition.

Allele frequency attached by ClinVar (database versions not stated): TOPMed below 0.00001.

Submission:

PreventionGenetics, part of Exact Sciences
Classification: Uncertain significance for SLC4A1-related condition. Last evaluated: 2023-01-26. Review status: criteria provided, single submitter. Criteria: ACMG Guidelines, 2015. Collection method: clinical testing. Allele origin: germline.
Comment: The SLC4A1 c.1804C>T variant is predicted to result in the amino acid substitution p.Arg602Cys. To our knowledge, this variant has not been reported in the literature or in a large population database, indicating this variant is rare. A different amino acid change at this position (p.Arg602His) has been reported in patients with SLC4A1-related disorders (Sritippayawan S et al 2004. PubMed ID: 15211439). Although we suspect that this variant may be pathogenic, at this time, the clinical significance of this variant is uncertain due to the absence of conclusive functional and genetic evidence.

NM_000342.4(SLC4A1):c.1804C>T (p.Arg602Cys)

Gene: SLC4A1 (solute carrier family 4 member 1 (Diego blood group); minus strand). Cytogenetic location: 17q21.31.
Variant type: single nucleotide variant.
Coding change: c.1804C>T on transcript NM_000342.4 (MANE Select); coding-DNA position 1804, C replaced by T.
Protein change: p.Arg602Cys; replaces arginine 602 with cysteine.
Molecular consequence: missense variant.
Genome position (GRCh38, 1-based): chr17:44,255,293, G>A on the plus strand (C>T on the coding strand, the complement: SLC4A1 is on the minus strand). VCF-style: chr17-44255293-G-A. GRCh37 (hg19) VCF-style: chr17-42332661-G-A.
Other names: short protein forms R602C.
Identifiers: ClinVar variation 2634956 (VCV002634956.1), dbSNP rs2047379267, ClinGen allele CA399783990.